The following is an entry in ClinVar:

NM_001042492.3(NF1):c.7968_7970+2del

Gene: NF1 (neurofibromin 1; plus strand). Cytogenetic location: 17q11.2.
Variant type: Deletion.
Coding change: c.7968_7970+2del on transcript NM_001042492.3 (MANE Select); coding-DNA position 7968 through the canonical splice donor site of the intron after coding-DNA position 7970, 5 bases deleted (TGTGT; older notation c.7968_7970+2delTGTGT).
Molecular consequence: splice donor variant.
Genome position (GRCh38, 1-based): chr17:31,357,367-31,357,371, TGTGT deleted; deleting any 5 consecutive bases within chr17:31,357,364-31,357,371 gives the same sequence; the c. name uses the placement nearest the transcript's 3' end. VCF-style (leftmost placement, unchanged base first): chr17-31357363-CTGTTG-C. GRCh37 (hg19) VCF-style: chr17-29684381-CTGTTG-C.
Other names: c.7905_7907+2del (NM_000267.4).
Identifiers: ClinVar variation 955817 (VCV000955817.6), dbSNP rs2070299730, ClinGen allele CA1139665301.

ClinVar aggregate classification (germline): Likely pathogenic (1 of 4 stars; one submission).

Conditions:
Neurofibromatosis, type 1 (NF1). Also called: VON RECKLINGHAUSEN DISEASE; NEUROFIBROMATOSIS, TYPE I, SOMATIC; Peripheral type neurofibromatosis; Neurofibromatosis, type I. Identifiers: Orphanet 636, MedGen C0027831, MONDO:0018975, OMIM 162200. Disease mechanism: loss of function.

Submission:

Labcorp Genetics (formerly Invitae), Labcorp
Classification: Likely pathogenic for Neurofibromatosis, type 1. Last evaluated: 2019-10-31. Review status: criteria provided, single submitter. Criteria: Invitae Variant Classification Sherloc (09022015). Collection method: clinical testing. Allele origin: germline.
Comment: This variant results in the deletion of part of exon 53 (c.7905_7907+2del) of the NF1 gene. It is expected to disrupt RNA splicing and likely results in an absent or disrupted protein product. This variant is not present in population databases (ExAC no frequency). This variant has not been reported in the literature in individuals with NF1-related conditions. Loss-of-function variants in NF1 are known to be pathogenic (PMID: 10712197, 23913538). In summary, the currently available evidence indicates that the variant is pathogenic, but additional data are needed to prove that conclusively. Therefore, this variant has been classified as Likely Pathogenic.

Literature cited by the submitters: PubMed 10712197; PubMed 23913538.